The following is an entry in ClinVar:

ClinVar aggregate classification (germline): Pathogenic (0 of 4 stars; one submission).

Conditions:
von Willebrand disease type 3 (VWD3). Also called: Type 3 Von Willebrand's disease; Type 3 VWD; Von Willebrand disease, severe form; V WD3; VON WILLEBRAND DISEASE, TYPE III. Identifiers: Orphanet 166096, MedGen C1264041, MONDO:0010191, OMIM 277480.

Submission:

Angelo Bianchi Bonomi Hemophilia and Thrombosis Center, Fondazione IRCCS Ca Granda Ospedale Maggiore Policlinico
Classification: Pathogenic for von Willebrand disease type 3. Last evaluated: 2021-04-12. Review status: no assertion criteria provided. Collection method: clinical testing. Allele origin: germline. Affected: yes. Study: Type 3 Von Willebrand International Registries Inhibitor Prospective Study (3WINTERS-IPS).
Comment: CNV Interpretation Scoring Rubric: Copy Number LOSS

Literature cited by the submitters: PubMed 24675615.

NC_000012.11:g.6128633_6128795delins[NC_000022.10:g.17178770_17178932]

Gene: VWF (von Willebrand factor; minus strand). Cytogenetic location: 12p13.31.
Variant type: Indel.
Identifiers: ClinVar variation 1065229 (VCV001065229.3).